The following is an entry in ClinVar:

NM_004370.6(COL12A1):c.7712A>G (p.Asn2571Ser)

Gene: COL12A1 (collagen type XII alpha 1 chain; minus strand). Cytogenetic location: 6q13.
Variant type: single nucleotide variant.
Coding change: c.7712A>G on transcript NM_004370.6 (MANE Select); coding-DNA position 7712, A replaced by G.
Protein change: p.Asn2571Ser; replaces asparagine 2571 with serine.
Molecular consequence: missense variant.
Genome position (GRCh38, 1-based): chr6:75,113,730, T>C on the plus strand (A>G on the coding strand, the complement: COL12A1 is on the minus strand). VCF-style: chr6-75113730-T-C. GRCh37 (hg19) VCF-style: chr6-75823446-T-C.
Other names: c.7712A>G, p.Asn2571Ser (NM_001424113.1); c.7691A>G, p.Asn2564Ser (NM_001424114.1); c.7439A>G, p.Asn2480Ser (NM_001424115.1); c.4220A>G, p.Asn1407Ser (NM_001424116.1, NM_080645.3); short protein forms N1407S, N2480S, N2564S, N2571S.
Identifiers: ClinVar variation 2939105 (VCV002939105.3), dbSNP rs2533168829, ClinGen allele CA364744468.

ClinVar aggregate classification (germline): Uncertain significance (1 of 4 stars; one submission).

Conditions:
Ullrich congenital muscular dystrophy 2 (UCMD2). Identifiers: Orphanet 75840, MedGen C4225314, MONDO:0014654, OMIM 616470.
Bethlem myopathy 2 (BTHLM2). Identifiers: Orphanet 536516, Orphanet 610, MedGen C4225313, MONDO:0034022, OMIM 616471.

Allele frequency attached by ClinVar (database versions not stated): gnomAD exomes below 0.00001.
gnomAD v4.1: 2 of 1,591,952 alleles (0.00013%); highest among the groups gnomAD compares: Non-Finnish European, 0.00017%; no homozygotes.

Submission:

Labcorp Genetics (formerly Invitae), Labcorp
Classification: Uncertain significance for Bethlem myopathy 2; Ullrich congenital muscular dystrophy 2. Last evaluated: 2023-06-09. Review status: criteria provided, single submitter. Criteria: Invitae Variant Classification Sherloc (09022015). Collection method: clinical testing. Allele origin: germline.
Comment: In summary, the available evidence is currently insufficient to determine the role of this variant in disease. Therefore, it has been classified as a Variant of Uncertain Significance. Advanced modeling of protein sequence and biophysical properties (such as structural, functional, and spatial information, amino acid conservation, physicochemical variation, residue mobility, and thermodynamic stability) performed at Invitae indicates that this missense variant is not expected to disrupt COL12A1 protein function. This variant has not been reported in the literature in individuals affected with COL12A1-related conditions. This variant is not present in population databases (gnomAD no frequency). This sequence change replaces asparagine, which is neutral and polar, with serine, which is neutral and polar, at codon 2571 of the COL12A1 protein (p.Asn2571Ser).